The following is an entry in ClinVar:

NM_001458.5(FLNC):c.2604del (p.Ser868fs)

Gene: FLNC (filamin C; plus strand). Cytogenetic location: 7q32.1.
Variant type: Deletion.
Coding change: c.2604del on transcript NM_001458.5 (MANE Select); coding-DNA position 2604, one base deleted (C; older notation c.2604delC).
Protein change: p.Ser868fs; shifts the reading frame from serine 868.
Molecular consequence: frameshift variant.
Genome position (GRCh38, 1-based): chr7:128,843,282, C deleted. VCF-style (leftmost placement, unchanged base first): chr7-128843281-GC-G. GRCh37 (hg19) VCF-style: chr7-128483335-GC-G.
Other names: c.2604del, p.Ser868fs (NM_001127487.2); short protein forms S868fs.
Identifiers: ClinVar variation 1069877 (VCV001069877.2), dbSNP rs2128935921, ClinGen allele CA2499218733.

ClinVar aggregate classification (germline): Pathogenic (1 of 4 stars; one submission).

Conditions:
Myofibrillar myopathy 5. Also called: Filaminopathy (type); FILAMINOPATHY, AUTOSOMAL DOMINANT. Identifiers: Orphanet 171445, MedGen C1836050, MONDO:0012289, OMIM 609524.
Distal myopathy with posterior leg and anterior hand involvement. Also called: WILLIAMS DISTAL MYOPATHY. Identifiers: Orphanet 63273, MedGen C3279722, MONDO:0013550, OMIM 614065.
Hypertrophic cardiomyopathy 26. Also called: Cardiomyopathy, familial hypertrophic, 26. Identifiers: Orphanet 75249, MedGen C4310749, MONDO:0014883, OMIM 617047.
Dilated Cardiomyopathy, Dominant.

Submission:

Labcorp Genetics (formerly Invitae), Labcorp
Classification: Pathogenic for Distal myopathy with posterior leg and anterior hand involvement; Myofibrillar myopathy 5; Hypertrophic cardiomyopathy 26. Last evaluated: 2017-07-25. Review status: criteria provided, single submitter. Criteria: Invitae Variant Classification Sherloc (09022015). Collection method: clinical testing. Allele origin: germline.
Comment: This sequence change creates a premature translational stop signal (p.Ser868Argfs*10) in the FLNC gene. It is expected to result in an absent or disrupted protein product. This variant is not present in population databases (ExAC no frequency). This variant has not been reported in the literature in individuals with FLNC-related disease. Loss-of-function variants in FLNC are known to be pathogenic (PMID: 27908349). For these reasons, this variant has been classified as Pathogenic.

Literature cited by the submitters: PubMed 27908349.